The following is an entry in ClinVar:

NM_058216.3(RAD51C):c.258A>T (p.Thr86=)

Gene: RAD51C (RAD51 paralog C; plus strand). Cytogenetic location: 17q22.
Variant type: single nucleotide variant.
Coding change: c.258A>T on transcript NM_058216.3 (MANE Select); coding-DNA position 258, A replaced by T.
Protein change: p.Thr86=; no amino-acid change (threonine 86 retained).
Molecular consequence: synonymous variant. On other transcripts: non-coding transcript variant (2).
Genome position (GRCh38, 1-based): chr17:58,695,043, A>T. VCF-style: chr17-58695043-A-T. GRCh37 (hg19) VCF-style: chr17-56772404-A-T.
Other names: c.258A>T, p.Thr86= (NM_002876.4).
Identifiers: ClinVar variation 241768 (VCV000241768.30), dbSNP rs149228565, ClinGen allele CA8677188.

ClinVar aggregate classification (germline): Conflicting classifications of pathogenicity. Review status: criteria provided, conflicting classifications (1 of 4 stars). 8 submissions from 8 submitters: Uncertain significance (2); Benign (1); Likely benign (4). 1 of the submissions does not count toward it. Last evaluated 2026-01-05.

Conditions:
RAD51C-related disorder. Also called: RAD51C-related disorders; RAD51C-related condition.
Breast-ovarian cancer, familial, susceptibility to, 3. Also called: RAD51C-Related Breast/Ovarian Cancer. Identifiers: Orphanet 145, MedGen C3150659, MONDO:0013253, OMIM 613399.
Hereditary cancer-predisposing syndrome. Also called: Neoplastic Syndromes, Hereditary; Tumor predisposition; Hereditary neoplastic syndrome; Hereditary Cancer Syndrome. Identifiers: Orphanet 140162, MedGen C0027672, MeSH D009386, MONDO:0015356.
Hereditary breast ovarian cancer syndrome. Also called: Hereditary breast and ovarian cancer; Hereditary breast and ovarian cancer syndrome (HBOC); BRCA1- and BRCA2-Associated Hereditary Breast and Ovarian Cancer; Hereditary breast and/or ovarian cancer syndrome; Breast and ovarian cancer; Hereditary breast and ovarian cancer syndrome. Identifiers: Orphanet 145, MedGen C0677776, MeSH D061325, MONDO:0003582. Disease mechanism: loss of function.
Fanconi anemia complementation group O. Also called: RAD51C-Related Fanconi Anemia. Identifiers: Orphanet 84, MedGen C3150653, MONDO:0013248, OMIM 613390.

Allele frequency attached by ClinVar (database versions not stated): ExAC 0.00001; gnomAD exomes 0.00002; TOPMed 0.00014; ESP Exome Variant Server 0.00015; gnomAD 0.00016 and 0.00017.
gnomAD v4.1: 36 of 1,613,990 alleles (0.0022%); highest among the groups gnomAD compares: African/African-American, 0.045%; no homozygotes.

Submissions (8):

Labcorp Genetics (formerly Invitae), Labcorp
Classification: Likely benign for Fanconi anemia complementation group O. Last evaluated: 2026-01-05. Review status: criteria provided, single submitter. Criteria: Invitae Variant Classification Sherloc (09022015). Collection method: clinical testing. Allele origin: germline.

GeneDx
Classification: Uncertain significance. Last evaluated: 2025-08-27. Review status: criteria provided, single submitter. Criteria: GeneDx Variant Classification Process June 2021. Collection method: clinical testing. Allele origin: germline. Affected: yes.
Comment: In silico analysis suggests that this variant does not alter splicing; Has not been previously published as pathogenic or benign to our knowledge

Quest Diagnostics Nichols Institute San Juan Capistrano
Classification: Uncertain significance. Last evaluated: 2025-07-14. Review status: criteria provided, single submitter. Criteria: Quest Diagnostics criteria. Collection method: clinical testing. Allele origin: unknown.
Comment: The RAD51C c.258A>T (p.Thr86=) synonymous variant has not been reported in individuals with RAD51C-related conditions in the published literature. The frequency of this variant in the general population (Genome Aggregation Database) is uninformative in the assessment of its pathogenicity. Analysis of this variant using software algorithms for the prediction of the effect of nucleotide changes on splicing yielded predictions that this variant does not affect RAD51C mRNA splicing. Based on the available information, we are unable to determine the clinical significance of this variant.

Myriad Genetics, Inc.
Classification: Benign for Breast-ovarian cancer, familial, susceptibility to, 3. Last evaluated: 2025-02-14. Review status: criteria provided, single submitter. Criteria: Myriad Autosomal Dominant, Autosomal Recessive and X-Linked Classification Criteria (2023). Collection method: clinical testing. Allele origin: unknown.
Comment: This variant is considered benign. This variant is a silent/synonymous amino acid change and it is not expected to impact splicing.

Institute for Biomarker Research, Medical Diagnostic Laboratories, L.L.C.
Classification: Likely benign for Hereditary breast ovarian cancer syndrome. Last evaluated: 2023-04-11. Review status: criteria provided, single submitter. Criteria: ACMG Guidelines, 2015. Collection method: clinical testing. Allele origin: germline.

Color Diagnostics, LLC DBA Color Health
Classification: Likely benign for Hereditary cancer-predisposing syndrome. Last evaluated: 2015-11-16. Review status: criteria provided, single submitter. Criteria: ACMG Guidelines, 2015. Collection method: clinical testing. Allele origin: germline.

Ambry Genetics
Classification: Likely benign for Hereditary cancer-predisposing syndrome. Last evaluated: 2015-05-15. Review status: criteria provided, single submitter. Criteria: Ambry Variant Classification Scheme 2023. Collection method: clinical testing. Allele origin: germline.

PreventionGenetics, part of Exact Sciences
Classification: Likely benign for RAD51C-related condition. Last evaluated: 2021-11-04. Review status: no assertion criteria provided. Collection method: clinical testing. Allele origin: germline. Not counted in ClinVar's aggregate classification.
Comment: This variant is classified as likely benign based on ACMG/AMP sequence variant interpretation guidelines (Richards et al. 2015 PMID: 25741868, with internal and published modifications).